The following is an entry in ClinVar:

ClinVar aggregate classification (germline): Conflicting classifications of pathogenicity. Review status: criteria provided, conflicting classifications (1 of 4 stars). 6 submissions from 6 submitters: Uncertain significance (4); Likely benign (1). 1 of the submissions does not count toward it. Last evaluated 2026-01-04.

Conditions:
Hereditary cancer-predisposing syndrome. Also called: Neoplastic Syndromes, Hereditary; Tumor predisposition; Hereditary Cancer Syndrome; Hereditary neoplastic syndrome. Identifiers: Orphanet 140162, MedGen C0027672, MeSH D009386, MONDO:0015356.
Hereditary breast ovarian cancer syndrome. Also called: Hereditary breast and/or ovarian cancer syndrome; Hereditary breast and ovarian cancer syndrome; Hereditary breast and ovarian cancer; Hereditary breast and ovarian cancer syndrome (HBOC); Breast and ovarian cancer; BRCA1- and BRCA2-Associated Hereditary Breast and Ovarian Cancer. Identifiers: Orphanet 145, MedGen C0677776, MeSH D061325, MONDO:0003582. Disease mechanism: loss of function.
Breast-ovarian cancer, familial, susceptibility to, 2 (BROVCA2). Also called: BRCA2 Hereditary Breast and Ovarian Cancer. Identifiers: Orphanet 145, MedGen C2675520, MONDO:0012933, OMIM 612555. Disease mechanism: loss of function.

Allele frequency attached by ClinVar (database versions not stated): gnomAD exomes below 0.00001.
gnomAD v4.1: 3 of 1,613,946 alleles (0.00019%); highest among the groups gnomAD compares: Non-Finnish European, 0.00017%; no homozygotes.

Submissions (6):

Labcorp Genetics (formerly Invitae), Labcorp
Classification: Uncertain significance for Hereditary breast ovarian cancer syndrome. Last evaluated: 2026-01-04. Review status: criteria provided, single submitter. Criteria: Invitae Variant Classification Sherloc (09022015). Collection method: clinical testing. Allele origin: germline.
Comment: This sequence change replaces threonine, which is neutral and polar, with serine, which is neutral and polar, at codon 1520 of the BRCA2 protein (p.Thr1520Ser). This variant is present in population databases (rs747993489, gnomAD 0.0009%). This variant has not been reported in the literature in individuals affected with BRCA2-related conditions. ClinVar contains an entry for this variant (Variation ID: 567202). Invitae Evidence Modeling of protein sequence and biophysical properties (such as structural, functional, and spatial information, amino acid conservation, physicochemical variation, residue mobility, and thermodynamic stability) indicates that this missense variant is not expected to disrupt BRCA2 protein function with a negative predictive value of 95%. In summary, the available evidence is currently insufficient to determine the role of this variant in disease. Therefore, it has been classified as a Variant of Uncertain Significance.

Color Diagnostics, LLC DBA Color Health
Classification: Uncertain significance for Hereditary cancer-predisposing syndrome. Last evaluated: 2025-09-10. Review status: criteria provided, single submitter. Criteria: ACMG Guidelines, 2015. Collection method: clinical testing. Allele origin: germline.
Comment: This missense variant replaces threonine with serine at codon 1520 of the BRCA2 protein. Computational prediction suggests that this variant may not impact protein structure and function. To our knowledge, functional studies have not been reported for this variant. This variant has been detected in a breast cancer case-control meta-analysis in 0/60466 cases and 2/53461 unaffected individuals (PMID: 33471991Leiden Open Variation Database DB-ID BRCA2_008237). This variant has been identified in 1/250570 chromosomes in the general population by the Genome Aggregation Database (gnomAD). The available evidence is insufficient to determine the role of this variant in disease conclusively. Therefore, this variant is classified as a Variant of Uncertain Significance.

Ambry Genetics
Classification: Uncertain significance for Hereditary cancer-predisposing syndrome. Last evaluated: 2025-04-18. Review status: criteria provided, single submitter. Criteria: Ambry Variant Classification Scheme 2023. Collection method: clinical testing. Allele origin: germline.
Comment: The p.T1520S variant (also known as c.4559C>G), located in coding exon 10 of the BRCA2 gene, results from a C to G substitution at nucleotide position 4559. The threonine at codon 1520 is replaced by serine, an amino acid with similar properties. This amino acid position is not well conserved in available vertebrate species. In addition, this alteration is predicted to be tolerated by in silico analysis. Since supporting evidence is limited at this time, the clinical significance of this alteration remains unclear.

GeneDx
Classification: Uncertain significance. Last evaluated: 2023-10-20. Review status: criteria provided, single submitter. Criteria: GeneDx Variant Classification Process June 2021. Collection method: clinical testing. Allele origin: germline. Affected: yes.
Comment: Not observed at significant frequency in large population cohorts (gnomAD); In silico analysis supports that this missense variant does not alter protein structure/function; Has not been previously published as pathogenic or benign to our knowledge; Also known as 4787C>G; This variant is associated with the following publications: (PMID: 35325018, 29884841, 32377563)

University of Washington Department of Laboratory Medicine, University of Washington
Classification: Likely benign for Hereditary cancer-predisposing syndrome. Last evaluated: 2023-03-23. Review status: criteria provided, single submitter. Criteria: Dines et al. (Genet Med. 2020). Collection method: curation. Allele origin: germline.
Comment: Missense variant in a coldspot region where missense variants are very unlikely to be pathogenic (PMID:31911673).

BRCA2 exon 11 coldspot. Reclassification based on statistical prior probability.

BRCAlab, Lund University
Classification: Uncertain significance for Breast-ovarian cancer, familial, susceptibility to, 2. Last evaluated: 2020-03-02. Review status: no assertion criteria provided. Collection method: clinical testing. Allele origin: germline. Affected: yes. Not counted in ClinVar's aggregate classification.

Literature cited by the submitters: PubMed 33471991 (cited by Color Diagnostics, LLC DBA Color Health).

NM_000059.4(BRCA2):c.4559C>G (p.Thr1520Ser)

Gene: BRCA2 (BRCA2 DNA repair associated; plus strand). Cytogenetic location: 13q13.1.
Variant type: single nucleotide variant.
Coding change: c.4559C>G on transcript NM_000059.4 (MANE Select); coding-DNA position 4559, C replaced by G.
Protein change: p.Thr1520Ser; replaces threonine 1520 with serine.
Molecular consequence: missense variant.
Genome position (GRCh38, 1-based): chr13:32,338,914, C>G. VCF-style: chr13-32338914-C-G. GRCh37 (hg19) VCF-style: chr13-32913051-C-G.
Other names: short protein forms T1520S.
Identifiers: ClinVar variation 567202 (VCV000567202.22), dbSNP rs747993489, ClinGen allele CA6940792.